The following is an entry in ClinVar:

NM_000538.4(RFXAP):c.*550T>C

Gene: RFXAP (regulatory factor X associated protein; plus strand). Cytogenetic location: 13q13.3.
Variant type: single nucleotide variant.
Coding change: c.*550T>C on transcript NM_000538.4 (MANE Select); 550 bases downstream of the stop codon, T replaced by C.
Molecular consequence: 3 prime UTR variant.
Genome position (GRCh38, 1-based): chr13:36,828,303, T>C. VCF-style: chr13-36828303-T-C. GRCh37 (hg19) VCF-style: chr13-37402440-T-C.
Identifiers: ClinVar variation 311797 (VCV000311797.6), dbSNP rs9547679, ClinGen allele CA10644245.

ClinVar aggregate classification (germline): Benign. Review status: criteria provided, multiple submitters, no conflicts (2 of 4 stars). 2 submissions from 2 submitters: Benign (2). Last evaluated 2018-01-12.

Conditions:
MHC class II deficiency. Also called: Bare lymphocyte syndrome 2; BLS, TYPE II. Identifiers: Orphanet 572, MedGen C5447452, MONDO:0008855.

Allele frequency attached by ClinVar (database versions not stated): 1000 Genomes Project 0.79613; 1000 Genomes Project 30x 0.79841; TOPMed 0.84064; gnomAD 0.84878 and 0.84844; gnomAD exomes 0.92063.
gnomAD v4.1: 130,129 of 153,146 alleles (85%); highest among the groups gnomAD compares: Non-Finnish European, 93%; 56,033 homozygotes.

Submissions (2):

Illumina Laboratory Services, Illumina
Classification: Benign for MHC class II deficiency 1. Last evaluated: 2018-01-12. Review status: criteria provided, single submitter. Criteria: ICSL Variant Classification Criteria 13 December 2019. Collection method: clinical testing. Allele origin: germline.
Comment: This variant was observed in the ICSL laboratory as part of a predisposition screen in an ostensibly healthy population. It had not been previously curated by ICSL or reported in the Human Gene Mutation Database (HGMD: prior to June 1st, 2018), and was therefore a candidate for classification through an automated scoring system. Utilizing variant allele frequency, disease prevalence and penetrance estimates, and inheritance mode, an automated score was calculated to assess if this variant is too frequent to cause the disease. Based on the score and internal cut-off values, a variant classified as benign is not then subjected to further curation. The score for this variant resulted in a classification of benign for this disease.

Breakthrough Genomics
Classification: Benign. Review status: criteria provided, single submitter. Criteria: ACMG Guidelines, 2015. Collection method: not provided. Allele origin: germline. Inheritance: Autosomal recessive inheritance. Affected: yes.